The following is an entry in ClinVar:

ClinVar aggregate classification (germline): Pathogenic (1 of 4 stars; one submission).

Conditions:
ALG8 congenital disorder of glycosylation. Also called: CONGENITAL DISORDER OF GLYCOSYLATION, TYPE Ih; ALG8-CDG; CDG Ih. Identifiers: Orphanet 79325, MedGen C2931002, MONDO:0011969, OMIM 608104.

Submission:

Labcorp Genetics (formerly Invitae), Labcorp
Classification: Pathogenic for ALG8 congenital disorder of glycosylation. Last evaluated: 2024-10-07. Review status: criteria provided, single submitter. Criteria: Invitae Variant Classification Sherloc (09022015). Collection method: clinical testing. Allele origin: germline.
Comment: This sequence change creates a premature translational stop signal (p.Thr367Phefs*4) in the ALG8 gene. It is expected to result in an absent or disrupted protein product. Loss-of-function variants in ALG8 are known to be pathogenic (PMID: 19862844). This variant is not present in population databases (gnomAD no frequency). This variant has not been reported in the literature in individuals affected with ALG8-related conditions. For these reasons, this variant has been classified as Pathogenic.

Literature cited by the submitters: PubMed 19862844.

NM_024079.5(ALG8):c.1098_1101del (p.Thr367fs)

Gene: ALG8 (ALG8 alpha-1,3-glucosyltransferase; minus strand). Cytogenetic location: 11q14.1.
Variant type: Deletion.
Coding change: c.1098_1101del on transcript NM_024079.5 (MANE Select); coding-DNA positions 1098 to 1101, 4 bases deleted (AACT; older notation c.1098_1101delAACT).
Protein change: p.Thr367fs; shifts the reading frame from threonine 367.
Molecular consequence: frameshift variant. On other transcripts: non-coding transcript variant (1), intron variant (2).
Genome position (GRCh38, 1-based): chr11:78,106,884-78,106,887, AGTT deleted on the plus strand (AACT on the coding strand, the reverse complement: ALG8 is on the minus strand); deleting any 4 consecutive bases within chr11:78,106,884-78,106,889 gives the same sequence; the c. name uses the placement nearest the transcript's 3' end. VCF-style (leftmost placement, unchanged base first): chr11-78106883-GAGTT-G. GRCh37 (hg19) VCF-style: chr11-77817929-GAGTT-G.
Other names: c.1098_1101del, p.Thr367fs (NM_001007027.3, NM_001425222.1, NM_001425227.1 and 3 more transcripts); c.1101_1104del, p.Thr368fs (NM_001425219.1); c.1083_1086del, p.Thr362fs (NM_001425220.1); c.1023_1026del, p.Thr342fs (NM_001425221.1); c.1092_1095del, p.Thr365fs (NM_001425223.1); c.1191_1194del, p.Thr398fs (NM_001425224.1); c.1146_1149del, p.Thr383fs (NM_001425225.1); c.945_948del, p.Thr316fs (NM_001425226.1, NM_001425236.1); and 10 more; short protein forms T280fs, T300fs, T309fs, T362fs, T368fs, T182fs, T316fs, T383fs.
Identifiers: ClinVar variation 3693026 (VCV003693026.2).